The following is an entry in ClinVar:

ClinVar aggregate classification (germline): Likely benign. Review status: criteria provided, multiple submitters, no conflicts (2 of 4 stars). 4 submissions from 4 submitters: Likely benign (3). 1 of the submissions does not count toward it. Last evaluated 2025-12-03.

Conditions:
TRIP11-related disorder. Also called: TRIP11-Related Disorders; TRIP11-related condition.
Achondrogenesis, type IA (ACG1A). Identifiers: Orphanet 932, Orphanet 93299, MedGen C0265273, MONDO:0008701, OMIM 200600.

Allele frequency attached by ClinVar (database versions not stated): ESP Exome Variant Server 0.00008; TOPMed 0.00010; gnomAD 0.00016; gnomAD exomes 0.00016; ExAC 0.00019.
gnomAD v4.1: 173 of 1,613,292 alleles (0.011%); highest among the groups gnomAD compares: Non-Finnish European, 0.012%; no homozygotes.

Submissions (4):

Labcorp Genetics (formerly Invitae), Labcorp
Classification: Likely benign for Achondrogenesis, type IA. Last evaluated: 2025-12-03. Review status: criteria provided, single submitter. Criteria: Invitae Variant Classification Sherloc (09022015). Collection method: clinical testing. Allele origin: germline.

Blueprint Genetics
Classification: Likely benign. Last evaluated: 2024-08-14. Review status: criteria provided, single submitter. Criteria: ACMG Guidelines, 2015. Collection method: clinical testing. Allele origin: germline.

CeGaT Center for Human Genetics Tuebingen
Classification: Likely benign. Last evaluated: 2022-08-01. Review status: criteria provided, single submitter. Criteria: CeGaT Center For Human Genetics Tuebingen Variant Classification Criteria Version 2. Collection method: clinical testing. Allele origin: germline. Affected: yes. Observed: 1 variant allele.
Comment: TRIP11: BP4, BP7

PreventionGenetics, part of Exact Sciences
Classification: Likely benign for TRIP11-related condition. Last evaluated: 2019-06-14. Review status: no assertion criteria provided. Collection method: clinical testing. Allele origin: germline. Not counted in ClinVar's aggregate classification.
Comment: This variant is classified as likely benign based on ACMG/AMP sequence variant interpretation guidelines (Richards et al. 2015 PMID: 25741868, with internal and published modifications).

NM_004239.4(TRIP11):c.2382C>T (p.Asp794=)

Gene: TRIP11 (thyroid hormone receptor interactor 11; minus strand). Cytogenetic location: 14q32.12.
Variant type: single nucleotide variant.
Coding change: c.2382C>T on transcript NM_004239.4 (MANE Select); coding-DNA position 2382, C replaced by T.
Protein change: p.Asp794=; no amino-acid change (aspartic acid 794 retained).
Molecular consequence: synonymous variant.
Genome position (GRCh38, 1-based): chr14:92,005,594, G>A on the plus strand (C>T on the coding strand, the complement: TRIP11 is on the minus strand). VCF-style: chr14-92005594-G-A. GRCh37 (hg19) VCF-style: chr14-92471938-G-A.
Other names: c.2379C>T, p.Asp793= (NM_001321851.1).
Identifiers: ClinVar variation 728275 (VCV000728275.35), dbSNP rs372227102, ClinGen allele CA7313784.